The following is an entry in ClinVar:

NM_006206.6(PDGFRA):c.512C>G (p.Ser171Cys)

Gene: PDGFRA (platelet derived growth factor receptor alpha; plus strand). Cytogenetic location: 4q12.
Variant type: single nucleotide variant.
Coding change: c.512C>G on transcript NM_006206.6 (MANE Select); coding-DNA position 512, C replaced by G.
Protein change: p.Ser171Cys; replaces serine 171 with cysteine.
Molecular consequence: missense variant.
Genome position (GRCh38, 1-based): chr4:54,263,811, C>G. VCF-style: chr4-54263811-C-G. GRCh37 (hg19) VCF-style: chr4-55129978-C-G.
Other names: c.512C>G, p.Ser171Cys (NM_001347827.2, NM_001347829.2); c.587C>G, p.Ser196Cys (NM_001347828.2); c.551C>G, p.Ser184Cys (NM_001347830.2); short protein forms S171C, S184C, S196C.
Identifiers: ClinVar variation 2816055 (VCV002816055.3), dbSNP rs758027394, ClinGen allele CA356889982.

ClinVar aggregate classification (germline): Uncertain significance (1 of 4 stars; one submission).

Conditions:
Gastrointestinal stromal tumor. Also called: Gastrointestinal stromal tumor, somatic; Gastrointestinal stroma tumor. Identifiers: Orphanet 44890, MedGen C0238198, MeSH D046152, MONDO:0011719, OMIM 606764, HP:0100723.

Submission:

Labcorp Genetics (formerly Invitae), Labcorp
Classification: Uncertain significance for Gastrointestinal stromal tumor. Last evaluated: 2022-11-23. Review status: criteria provided, single submitter. Criteria: Invitae Variant Classification Sherloc (09022015). Collection method: clinical testing. Allele origin: germline.
Comment: This sequence change replaces serine, which is neutral and polar, with cysteine, which is neutral and slightly polar, at codon 171 of the PDGFRA protein (p.Ser171Cys). This variant is not present in population databases (gnomAD no frequency). This variant has not been reported in the literature in individuals affected with PDGFRA-related conditions. Advanced modeling of protein sequence and biophysical properties (such as structural, functional, and spatial information, amino acid conservation, physicochemical variation, residue mobility, and thermodynamic stability) performed at Invitae indicates that this missense variant is not expected to disrupt PDGFRA protein function. In summary, the available evidence is currently insufficient to determine the role of this variant in disease. Therefore, it has been classified as a Variant of Uncertain Significance.